The following is an entry in ClinVar:

ClinVar aggregate classification (germline): Uncertain significance (1 of 4 stars; one submission).

Conditions:
Hajdu-Cheney syndrome (HJCYS). Also called: Acroosteolysis dominant type; ACROOSTEOLYSIS WITH OSTEOPOROSIS AND CHANGES IN SKULL AND MANDIBLE; SERPENTINE FIBULA-POLYCYSTIC KIDNEY SYNDROME. Identifiers: Orphanet 955, MedGen C0917715, MONDO:0007057, OMIM 102500.

Allele frequency attached by ClinVar (database versions not stated): gnomAD 0.00001.
gnomAD v4.1: 1 of 1,614,066 alleles (0.000062%); highest among the groups gnomAD compares: African/African-American, 0.0013%; no homozygotes.

Submission:

Labcorp Genetics (formerly Invitae), Labcorp
Classification: Uncertain significance for Hajdu-Cheney syndrome. Last evaluated: 2023-06-04. Review status: criteria provided, single submitter. Criteria: Invitae Variant Classification Sherloc (09022015). Collection method: clinical testing. Allele origin: germline.
Comment: This variant has not been reported in the literature in individuals affected with NOTCH2-related conditions. This sequence change replaces aspartic acid, which is acidic and polar, with alanine, which is neutral and non-polar, at codon 913 of the NOTCH2 protein (p.Asp913Ala). This variant is present in population databases (no rsID available, gnomAD 0.007%). Advanced modeling of protein sequence and biophysical properties (such as structural, functional, and spatial information, amino acid conservation, physicochemical variation, residue mobility, and thermodynamic stability) performed at Invitae indicates that this missense variant is expected to disrupt NOTCH2 protein function. In summary, the available evidence is currently insufficient to determine the role of this variant in disease. Therefore, it has been classified as a Variant of Uncertain Significance.

NM_024408.4(NOTCH2):c.2738A>C (p.Asp913Ala)

Gene: NOTCH2 (notch receptor 2; minus strand). Cytogenetic location: 1p12.
Variant type: single nucleotide variant.
Coding change: c.2738A>C on transcript NM_024408.4 (MANE Select); coding-DNA position 2738, A replaced by C.
Protein change: p.Asp913Ala; replaces aspartic acid 913 with alanine.
Molecular consequence: missense variant.
Genome position (GRCh38, 1-based): chr1:119,948,428, T>G on the plus strand (A>C on the coding strand, the complement: NOTCH2 is on the minus strand). VCF-style: chr1-119948428-T-G. GRCh37 (hg19) VCF-style: chr1-120491051-T-G.
Other names: c.2738A>C, p.Asp913Ala (NM_001200001.2); short protein forms D913A.
Identifiers: ClinVar variation 2781568 (VCV002781568.3), dbSNP rs1553197318, ClinGen allele CA341858343.
Genomic context (GRCh38, chr1:119,948,428, plus strand): 5'-TGTTTTCCTCTCCTCTGGGGGCTTAAGAGCTGACTGGCATACTCACTGGCAAGGCAGTCA[T>G]CAATGTCCTCCTCACAGTCCATACCACTGAAGCCTGGTGGACATTCACACATGTAGCTGC-3'
Protein context (NP_077719.2, residues 903-923): FSGMDCEEDI[Asp913Ala]DCLANPCQNG